The following is an entry in ClinVar:

NM_000334.4(SCN4A):c.*1989C>T

Genes: GH-LCR (growth hormone locus control region; plus strand), SCN4A (sodium voltage-gated channel alpha subunit 4; minus strand). Cytogenetic location: 17q23.3.
Variant type: single nucleotide variant.
Coding change: c.*1989C>T on transcript NM_000334.4 (MANE Select); 1989 bases downstream of the stop codon, C replaced by T.
Molecular consequence: 3 prime UTR variant.
Genome position (GRCh38, 1-based): chr17:63,938,782, G>A on the plus strand (C>T on the coding strand, the complement: SCN4A is on the minus strand). VCF-style: chr17-63938782-G-A. GRCh37 (hg19) VCF-style: chr17-62016142-G-A.
Identifiers: ClinVar variation 324467 (VCV000324467.7), dbSNP rs77615646, ClinGen allele CA10646418.

ClinVar aggregate classification (germline): Benign/Likely benign. Review status: criteria provided, multiple submitters, no conflicts (2 of 4 stars). 7 submissions from 3 submitters: Benign (5); Likely benign (2). Last evaluated 2021-05-25.

Conditions:
Congenital myasthenic syndrome 16. Identifiers: Orphanet 590, MedGen C3280112, MONDO:0013620, OMIM 614198.
Paramyotonia congenita of Von Eulenburg. Also called: Paramyotonia Congenita; PARALYSIS PERIODICA PARAMYOTONICA; Eulenburg disease; Myotonia congenita intermittens; Von Eulenburg paramyotonia congenita. Identifiers: Orphanet 684, MedGen C0221055, MONDO:0008195, OMIM 168300. Disease mechanism: loss of function.
Hyperkalemic periodic paralysis. Also called: Familial hyperkalemic periodic paralysis; Gamstorp disease. Identifiers: Orphanet 682, MedGen C0238357, MONDO:0008224, OMIM 170500, HP:0007215.
Hypokalemic periodic paralysis, type 2 (HOKPP2). Identifiers: Orphanet 681, MedGen C2750061, MONDO:0013234, OMIM 613345.
Potassium-aggravated myotonia. Also called: Myotonia congenita, atypical, acetazolamide-responsive; MYOTONIA CONGENITA, ACETAZOLAMIDE-RESPONSIVE; MYOTONIA CONGENITA, ATYPICAL; SODIUM CHANNEL MUSCLE DISEASE. Identifiers: Orphanet 612, Orphanet 99734, Orphanet 99735, Orphanet 99736, MedGen C2931826, MONDO:0018959, OMIM 608390.

Allele frequency attached by ClinVar (database versions not stated): gnomAD 0.00893 and 0.00968; 1000 Genomes Project 30x 0.00968; TOPMed 0.00991; 1000 Genomes Project 0.00839.

Submissions (7):

GeneDx
Classification: Likely benign. Last evaluated: 2021-05-25. Review status: criteria provided, single submitter. Criteria: GeneDx Variant Classification Process June 2021. Collection method: clinical testing. Allele origin: germline. Affected: yes.

Illumina Laboratory Services, Illumina
Classification: Benign for Hyperkalemic periodic paralysis. Last evaluated: 2018-01-12. Review status: criteria provided, single submitter. Criteria: ICSL Variant Classification Criteria 13 December 2019. Collection method: clinical testing. Allele origin: germline.
Comment: This variant was observed in the ICSL laboratory as part of a predisposition screen in an ostensibly healthy population. It had not been previously curated by ICSL or reported in the Human Gene Mutation Database (HGMD: prior to June 1st, 2018), and was therefore a candidate for classification through an automated scoring system. Utilizing variant allele frequency, disease prevalence and penetrance estimates, and inheritance mode, an automated score was calculated to assess if this variant is too frequent to cause the disease. Based on the score and internal cut-off values, a variant classified as benign is not then subjected to further curation. The score for this variant resulted in a classification of benign for this disease.

Illumina Laboratory Services, Illumina
Classification: Benign for Hypokalemic periodic paralysis, type 2. Last evaluated: 2018-01-12. Review status: criteria provided, single submitter. Criteria: ICSL Variant Classification Criteria 13 December 2019. Collection method: clinical testing. Allele origin: germline.
Comment: the same text as in the submission from Illumina Laboratory Services, Illumina above.

Illumina Laboratory Services, Illumina
Classification: Benign for Paramyotonia congenita of Von Eulenburg. Last evaluated: 2018-01-12. Review status: criteria provided, single submitter. Criteria: ICSL Variant Classification Criteria 13 December 2019. Collection method: clinical testing. Allele origin: germline.
Comment: the same text as in the submission from Illumina Laboratory Services, Illumina above.

Illumina Laboratory Services, Illumina
Classification: Benign for Potassium-aggravated myotonia. Last evaluated: 2018-01-12. Review status: criteria provided, single submitter. Criteria: ICSL Variant Classification Criteria 13 December 2019. Collection method: clinical testing. Allele origin: germline.
Comment: the same text as in the submission from Illumina Laboratory Services, Illumina above.

Illumina Laboratory Services, Illumina
Classification: Benign for Congenital myasthenic syndrome 16. Last evaluated: 2018-01-12. Review status: criteria provided, single submitter. Criteria: ICSL Variant Classification Criteria 13 December 2019. Collection method: clinical testing. Allele origin: germline.
Comment: the same text as in the submission from Illumina Laboratory Services, Illumina above.

Breakthrough Genomics
Classification: Likely benign. Review status: criteria provided, single submitter. Criteria: ACMG Guidelines, 2015. Collection method: not provided. Allele origin: germline. Inheritance: Autosomal recessive inheritance. Affected: yes.